The following is an entry in ClinVar:

ClinVar aggregate classification (germline): Conflicting classifications of pathogenicity. Review status: criteria provided, conflicting classifications (1 of 4 stars). 7 submissions from 7 submitters: Uncertain significance (2); Likely benign (3). 2 of the submissions do not count toward it. Last evaluated 2026-01-15.

Conditions:
TXNRD2-related disorder. Also called: TXNRD2-related condition.
Cardiovascular phenotype. Identifiers: MedGen CN230736.
Primary dilated cardiomyopathy (DCM). Also called: Dilated Cardiomyopathy. Identifiers: Orphanet 217604, MedGen C0007193, MeSH D002311, MONDO:0005021, HP:0001644. Inheritance: Various modes of inheritance.

Allele frequency attached by ClinVar (database versions not stated): gnomAD 0.00064; ESP Exome Variant Server 0.00078; TOPMed 0.00084.
gnomAD v4.1: 1,671 of 1,613,794 alleles (0.1%); highest among the groups gnomAD compares: Non-Finnish European, 0.13%; no homozygotes.

Submissions (7):

Labcorp Genetics (formerly Invitae), Labcorp
Classification: Likely benign for Primary dilated cardiomyopathy. Last evaluated: 2026-01-15. Review status: criteria provided, single submitter. Criteria: Invitae Variant Classification Sherloc (09022015). Collection method: clinical testing. Allele origin: germline.

PreventionGenetics, part of Exact Sciences
Classification: Uncertain significance for TXNRD2-related condition. Last evaluated: 2022-09-08. Review status: criteria provided, single submitter. Criteria: ACMG Guidelines, 2015. Collection method: clinical testing. Allele origin: germline.
Comment: The TXNRD2 c.858G>C variant is predicted to result in the amino acid substitution p.Arg286Ser. To our knowledge, this variant has not been reported in the literature. This variant is reported in 0.10% of alleles in individuals of European (Non-Finnish) descent in gnomAD. Although we suspect that this variant may be benign, at this time, the clinical significance of this variant is uncertain due to the absence of conclusive functional and genetic evidence.

GeneDx
Classification: Likely benign. Last evaluated: 2020-12-17. Review status: criteria provided, single submitter. Criteria: GeneDx Variant Classification Process June 2021. Collection method: clinical testing. Allele origin: germline. Affected: yes.
Comment: This variant is associated with the following publications: (PMID: 21247928)

Ambry Genetics
Classification: Likely benign for Cardiovascular phenotype. Last evaluated: 2019-12-08. Review status: criteria provided, single submitter. Criteria: Ambry Variant Classification Scheme 2023. Collection method: clinical testing. Allele origin: germline.

Phosphorus, Inc.
Classification: Uncertain significance for Primary dilated cardiomyopathy. Last evaluated: 2017-08-01. Review status: criteria provided, single submitter. Criteria: ACMG Guidelines, 2015. Collection method: clinical testing. Allele origin: germline. Observed: 1 variant allele.

Clinical Genetics DNA and cytogenetics Diagnostics Lab, Erasmus MC, Erasmus Medical Center
Classification: Likely benign. Review status: no assertion criteria provided. Collection method: clinical testing. Allele origin: germline. Affected: yes. Study: VKGL Data-share Consensus. Not counted in ClinVar's aggregate classification.

Diagnostic Laboratory, Department of Genetics, University Medical Center Groningen
Classification: Likely benign. Review status: no assertion criteria provided. Collection method: clinical testing. Allele origin: germline. Affected: yes. Study: VKGL Data-share Consensus. Not counted in ClinVar's aggregate classification.

Literature cited by the submitters: PubMed 21247928 (cited by Ambry Genetics and Phosphorus, Inc.).

NM_006440.5(TXNRD2):c.858G>C (p.Arg286Ser)

Gene: TXNRD2 (thioredoxin reductase 2; minus strand). Cytogenetic location: 22q11.21.
Variant type: single nucleotide variant.
Coding change: c.858G>C on transcript NM_006440.5 (MANE Select); coding-DNA position 858, G replaced by C.
Protein change: p.Arg286Ser; replaces arginine 286 with serine.
Molecular consequence: missense variant. On other transcripts: non-coding transcript variant (1).
Genome position (GRCh38, 1-based): chr22:19,895,498, C>G on the plus strand (G>C on the coding strand, the complement: TXNRD2 is on the minus strand). VCF-style: chr22-19895498-C-G. GRCh37 (hg19) VCF-style: chr22-19883021-C-G.
Other names: c.858G>C, p.Arg286Ser (NM_001282512.3); c.855G>C, p.Arg285Ser (NM_001352300.2); c.768G>C, p.Arg256Ser (NM_001352301.2); c.570G>C, p.Arg190Ser (NM_001352302.2); c.762G>C, p.Arg254Ser (NM_001352303.2); short protein forms R286S, R190S, R254S, R285S, R256S.
Identifiers: ClinVar variation 414282 (VCV000414282.27), dbSNP rs201503021, ClinGen allele CA10103956.
Genomic context (GRCh38, chr22:19,895,498, plus strand): 5'-CGTGTCCTCCTTGCCGGTGGTGCTGTCCTCCCAGGTGACCTGCAGCTGGCCATCAGGGAG[C>G]CTCCTGACCCGCGAGGGGGCACAGCCCCTCAGGAACCGGGTGCCATGAGATGCCATGTGC-3'
Protein context (NP_006431.2, residues 276-296): LRGCAPSRVR[Arg286Ser]LPDGQLQVTW